The following is an entry in ClinVar:

ClinVar aggregate classification (germline): Likely pathogenic. Review status: criteria provided, multiple submitters, no conflicts (2 of 4 stars). 2 submissions from 2 submitters: Likely pathogenic (2). Last evaluated 2024-03-01.

Conditions:
PHGDH deficiency. Identifiers: Orphanet 79351, MedGen C1866174, MONDO:0011152, OMIM 601815.
Neu-Laxova syndrome 1 (NLS1). Identifiers: Orphanet 2671, Orphanet 583607, MedGen C4551478, MONDO:0009736, OMIM 256520. Disease mechanism: loss of function.

Allele frequency attached by ClinVar (database versions not stated): TOPMed below 0.00001.

Submissions (2):

Labcorp Genetics (formerly Invitae), Labcorp
Classification: Likely pathogenic for PHGDH deficiency. Last evaluated: 2024-03-01. Review status: criteria provided, single submitter. Criteria: Invitae Variant Classification Sherloc (09022015). Collection method: clinical testing. Allele origin: germline.
Comment: This sequence change affects an acceptor splice site in intron 8 of the PHGDH gene. It is expected to disrupt RNA splicing. Variants that disrupt the donor or acceptor splice site typically lead to a loss of protein function (PMID: 16199547), and loss-of-function variants in PHGDH are known to be pathogenic (PMID: 14645240, 24836451). This variant is not present in population databases (gnomAD no frequency). This variant has not been reported in the literature in individuals affected with PHGDH-related conditions. ClinVar contains an entry for this variant (Variation ID: 1519529). Algorithms developed to predict the effect of sequence changes on RNA splicing suggest that this variant may disrupt the consensus splice site. In summary, the currently available evidence indicates that the variant is pathogenic, but additional data are needed to prove that conclusively. Therefore, this variant has been classified as Likely Pathogenic.

Juno Genomics, Hangzhou Juno Genomics, Inc
Classification: Likely pathogenic for Neu-Laxova syndrome 1; PHGDH deficiency. Review status: criteria provided, single submitter. Criteria: ACMG Guidelines, 2015. Collection method: clinical testing. Allele origin: germline.
Comment: Absent from controls (or at extremely low frequency if recessive) in Genome Aggregation Database.;Null variant in a gene where loss of function (LOF) is a known mechanism of disease.

Literature cited by the submitters: PubMed 16199547 (cited by Labcorp Genetics (formerly Invitae), Labcorp); PubMed 14645240 (cited by Labcorp Genetics (formerly Invitae), Labcorp); PubMed 24836451 (cited by Labcorp Genetics (formerly Invitae), Labcorp).

NM_006623.4(PHGDH):c.946-2A>G

Gene: PHGDH (phosphoglycerate dehydrogenase; plus strand). Cytogenetic location: 1p12.
Variant type: single nucleotide variant.
Coding change: c.946-2A>G on transcript NM_006623.4 (MANE Select); the canonical splice acceptor site of the intron before coding-DNA position 946, A replaced by G.
Molecular consequence: splice acceptor variant.
Genome position (GRCh38, 1-based): chr1:119,740,384, A>G. VCF-style: chr1-119740384-A-G. GRCh37 (hg19) VCF-style: chr1-120283007-A-G.
Identifiers: ClinVar variation 1519529 (VCV001519529.8), dbSNP rs1217925678, ClinGen allele CA341851797.